The following is an entry in ClinVar:

ClinVar aggregate classification (germline): Uncertain significance (1 of 4 stars; one submission).

Conditions:
Inborn genetic diseases. Identifiers: MedGen C0950123, MeSH D030342.

Submission:

Ambry Genetics
Classification: Uncertain significance for Inborn genetic diseases. Last evaluated: 2026-04-12. Review status: criteria provided, single submitter. Criteria: Ambry Variant Classification Scheme 2023. Collection method: clinical testing. Allele origin: germline.
Comment: The p.C1431Y variant (also known as c.4292G>A), located in coding exon 1 of the SAMD9L gene, results from a G to A substitution at nucleotide position 4292. The cysteine at codon 1431 is replaced by tyrosine, an amino acid with highly dissimilar properties. This amino acid position is conserved. In addition, this alteration is predicted to be tolerated by in silico analysis. Based on the available evidence, the clinical significance of this variant remains unclear.

NM_152703.5(SAMD9L):c.4292G>A (p.Cys1431Tyr)

Gene: SAMD9L (sterile alpha motif domain containing 9 like; minus strand). Cytogenetic location: 7q21.2.
Variant type: single nucleotide variant.
Coding change: c.4292G>A on transcript NM_152703.5 (MANE Select); coding-DNA position 4292, G replaced by A.
Protein change: p.Cys1431Tyr; replaces cysteine 1431 with tyrosine.
Molecular consequence: missense variant.
Genome position (GRCh38, 1-based): chr7:93,131,680, C>T on the plus strand (G>A on the coding strand, the complement: SAMD9L is on the minus strand). VCF-style: chr7-93131680-C-T. GRCh37 (hg19) VCF-style: chr7-92760993-C-T.
Other names: c.4292G>A, p.Cys1431Tyr (NM_001303496.3, NM_001303497.3, NM_001303498.3 and 5 more transcripts); short protein forms C1431Y.
Identifiers: ClinVar variation 4863938 (VCV004863938.1).
Genomic context (GRCh38, chr7:93,131,680, plus strand): 5'-TACTTTTCTATTAGTTTGGAATCTTGATCTAGCTCTTGATTTTCTGGCCAGAACAGGAGG[C>T]AGGCCAAGAAATAAGGACCTGGATATTGATGACTTAGTCCTACAAATTGCAAGACCTCTC-3'
Protein context (NP_689916.2, residues 1421-1441): HQYPGPYFLA[Cys1431Tyr]LLFWPENQEL